The following is an entry in ClinVar:

NM_000616.5(CD4):c.49+28del

Gene: CD4 (CD4 molecule; plus strand). Cytogenetic location: 12p13.31.
Variant type: Deletion.
Coding change: c.49+28del on transcript NM_000616.5 (MANE Select); 28 bases into the intron after coding-DNA position 49, one base deleted (G; older notation c.49+28delG).
Molecular consequence: intron variant.
Genome position (GRCh38, 1-based): chr12:6,800,215, G deleted. VCF-style (leftmost placement, unchanged base first): chr12-6800214-TG-T. GRCh37 (hg19) VCF-style: chr12-6909380-TG-T.
Other names: c.49+28del (NM_001382707.1, NM_001382714.1); c.-934+28del (NM_001382706.1); c.-769+10553del (NM_001382705.1); c.-619+10553del (NM_001195015.3); c.-649+10553del (NM_001195014.3); c.-606+10553del (NM_001195016.3); c.-584+10553del (NM_001195017.3).
Identifiers: ClinVar variation 1192704 (VCV001192704.4), dbSNP rs3216776, ClinGen allele CA6415664.
Genomic context (GRCh38, chr12:6,800,214, plus strand): 5'-CCTTTTAGGCACTTGCTTCTGGTGCTGCAACTGGGTAAGTTCTCAGACCTGGGGTCTCAA[TG>T]CAGATGACGTGGGAGGAAAGGCAAAGGTGGAGGATGGGGTAGAGGGGGACAGCGGCGACA-3'

ClinVar aggregate classification (germline): Benign. Review status: criteria provided, multiple submitters, no conflicts (2 of 4 stars). 2 submissions from 2 submitters: Benign (2). Last evaluated 2024-01-24.

Conditions:
Immunodeficiency 79. Also called: CD4 deficiency. Identifiers: MedGen C5543220, MONDO:0030981, OMIM 619238.

Allele frequency attached by ClinVar (database versions not stated): 1000 Genomes Project 30x 0.52030; 1000 Genomes Project 0.52037; TOPMed 0.55596; gnomAD 0.56379 and 0.56473; ESP Exome Variant Server 0.56598; gnomAD exomes 0.58146 and 0.62356; ExAC 0.58311.

Submissions (2):

Unidad de Genómica Garrahan, Hospital de Pediatría Garrahan
Classification: Benign. Last evaluated: 2024-01-24. Review status: criteria provided, single submitter. Criteria: ACMG Guidelines, 2015. Collection method: clinical testing. Allele origin: germline. Affected: no. Observed: 68 variant alleles.
Comment: This variant is classified as Benign based on local population frequency. This variant was detected in 72% of patients studied by a panel of primary immunodeficiencies. Number of patients: 68. Only high quality variants are reported.

Genome-Nilou Lab
Classification: Benign for Immunodeficiency 79. Last evaluated: 2021-07-14. Review status: criteria provided, single submitter. Criteria: ACMG Guidelines, 2015. Collection method: clinical testing. Allele origin: germline. Affected: no.